The following is an entry in ClinVar:

ClinVar aggregate classification (germline): Uncertain significance (1 of 4 stars; one submission).

Submission:

Labcorp Genetics (formerly Invitae), Labcorp
Classification: Uncertain significance. Last evaluated: 2021-06-09. Review status: criteria provided, single submitter. Criteria: Invitae Variant Classification Sherloc (09022015). Collection method: clinical testing. Allele origin: germline.
Comment: Algorithms developed to predict the effect of missense changes on protein structure and function are either unavailable or do not agree on the potential impact of this missense change (SIFT: "Deleterious"; PolyPhen-2: "Possibly Damaging"; Align-GVGD: "Class C0"). This variant has not been reported in the literature in individuals with POLE-related conditions. This variant is not present in population databases (ExAC no frequency). This sequence change replaces alanine with threonine at codon 653 of the POLE protein (p.Ala653Thr). The alanine residue is highly conserved and there is a small physicochemical difference between alanine and threonine. In summary, the available evidence is currently insufficient to determine the role of this variant in disease. Therefore, it has been classified as a Variant of Uncertain Significance.

NM_006231.4(POLE):c.1957G>A (p.Ala653Thr)

Gene: POLE (DNA polymerase epsilon, catalytic subunit; minus strand). Cytogenetic location: 12q24.33.
Variant type: single nucleotide variant.
Coding change: c.1957G>A on transcript NM_006231.4 (MANE Select); coding-DNA position 1957, G replaced by A.
Protein change: p.Ala653Thr; replaces alanine 653 with threonine.
Molecular consequence: missense variant.
Genome position (GRCh38, 1-based): chr12:132,668,704, C>T on the plus strand (G>A on the coding strand, the complement: POLE is on the minus strand). VCF-style: chr12-132668704-C-T. GRCh37 (hg19) VCF-style: chr12-133245290-C-T.
Other names: short protein forms A653T.
Identifiers: ClinVar variation 1420457 (VCV001420457.8), dbSNP rs751451482, ClinGen allele CA387355121.